The following is an entry in ClinVar:

NM_130810.4(DNAAF4):c.1042_1043insTTTTTTTTTTTTTTTTTTTTNNNNNNNNNNACTGCAACCTCTGCCTCCCAGGTTGAAGCGATTTTCCTGCCTCAGCCTCAGCCTCCTGAGTAGCTGGGCTGAAGATTCTT (p.Ser348delinsPhePhePhePhePhePhePheXaaXaaXaaXaaCysAsnLeuCysLeuProGlyTer)

Genes: DNAAF4 (dynein axonemal assembly factor 4; minus strand), DNAAF4-CCPG1 (DNAAF4-CCPG1 readthrough (NMD candidate); minus strand). Cytogenetic location: 15q21.3.
Variant type: Insertion.
Coding change: c.1042_1043insTTTTTTTTTTTTTTTTTTTTNNNNNNNNNNACTGCAACCTCTGCCTCCCAGGTTGAAGCGATTTTCCTGCCTCAGCCTCAGCCTCCTGAGTAGCTGGGCTGAAGATTCTT on transcript NM_130810.4 (MANE Select); coding-DNA positions 1042 to 1043, TTTTTTTTTTTTTTTTTTTTNNNNNNNNNNACTGCAACCTCTGCCTCCCAGGTTGAAGCGATTTTCCTGCCTCAGCCTCAGCCTCCTGAGTAGCTGGGCTGAAGATTCTT inserted.
Protein change: p.Ser348delinsPhePhePhePhePhePhePheXaaXaaXaaXaaCysAsnLeuCysLeuProGlyTer.
Molecular consequence: nonsense. On other transcripts: non-coding transcript variant (1).
Genome position: GRCh38: chr15:55,434,920-55,434,921. GRCh37 (hg19): chr15:55,727,118-55,727,119.
Other names: c.1042_1043insTTTTTTTTTTTTTTTTTTTTNNNNNNNNNNACTGCAACCTCTGCCTCCCAGGTTGAAGCGATTTTCCTGCCTCAGCCTCAGCCTCCTGAGTAGCTGGGCTGAAGATTCTT, p.Ser348delinsPhePhePhePhePhePhePheXaaXaaXaaXaaCysAsnLeuCysLeuProGlyTer (NM_001033559.3, NM_001033560.2).
Identifiers: ClinVar variation 1071102 (VCV001071102.8), dbSNP rs2141411174.

ClinVar aggregate classification (germline): Pathogenic (1 of 4 stars; one submission).

Submission:

Labcorp Genetics (formerly Invitae), Labcorp
Classification: Pathogenic. Last evaluated: 2022-07-05. Review status: criteria provided, single submitter. Criteria: Invitae Variant Classification Sherloc (09022015). Collection method: clinical testing. Allele origin: germline.
Comment: Algorithms developed to predict the effect of sequence changes on RNA splicing suggest that this variant may disrupt the consensus splice site. ClinVar contains an entry for this variant (Variation ID: 1071102). For these reasons, this variant has been classified as Pathogenic. Retrotransposon insertions including LINE1 (L1), Alu, and SVA (SINE-VNTR-Alu) have been reported to be disease-causing through disruption of either a coding region or splice site (PMID: 19763152, 20307669, 22406018) and loss-of-function variants in DNAAF4 are known to be pathogenic (PMID: 23872636). This variant has not been reported in the literature in individuals affected with DNAAF4-related conditions. This variant is not present in population databases (gnomAD no frequency). This sequence change inserts a large fragment of DNA, likely a transposable element, in exon 8 of the DNAAF4 gene (c.1042_1043ins?), causing a frameshift at codon 348 (p.Ser348fs). The exact size and sequence of the insertion cannot be determined by the current assay. However, the insertion is expected to result in an absent or disrupted protein product.

Literature cited by the submitters: PubMed 19763152; PubMed 20307669; PubMed 22406018; PubMed 23872636.